The following is an entry in ClinVar:

ClinVar aggregate classification (germline): Conflicting classifications of pathogenicity. Review status: criteria provided, conflicting classifications (1 of 4 stars). 4 submissions from 4 submitters: Uncertain significance (1); Likely benign (2). 1 of the submissions does not count toward it. Last evaluated 2025-08-17.

Conditions:
PCNT-related disorder. Also called: PCNT-related condition.
Inborn genetic diseases. Identifiers: MedGen C0950123, MeSH D030342.

Allele frequency attached by ClinVar (database versions not stated): gnomAD exomes 0.00001 and 0.00003; gnomAD 0.00003 and 0.00004; TOPMed 0.00011.
gnomAD v4.1: 48 of 1,614,070 alleles (0.003%); highest among the groups gnomAD compares: Non-Finnish European, 0.0034%; no homozygotes.

Submissions (4):

Labcorp Genetics (formerly Invitae), Labcorp
Classification: Uncertain significance. Last evaluated: 2025-08-17. Review status: criteria provided, single submitter. Criteria: Invitae Variant Classification Sherloc (09022015). Collection method: clinical testing. Allele origin: germline.
Comment: This sequence change affects codon 1105 of the PCNT mRNA. It is a 'silent' change, meaning that it does not change the encoded amino acid sequence of the PCNT protein. It affects a nucleotide within the consensus splice site. This variant is present in population databases (no rsID available, gnomAD 0.007%). This variant has not been reported in the literature in individuals affected with PCNT-related conditions. ClinVar contains an entry for this variant (Variation ID: 1381840). Algorithms developed to predict the effect of sequence changes on RNA splicing suggest that this variant is not likely to affect RNA splicing. In summary, the available evidence is currently insufficient to determine the role of this variant in disease. Therefore, it has been classified as a Variant of Uncertain Significance.

Blueprint Genetics
Classification: Likely benign. Last evaluated: 2024-09-30. Review status: criteria provided, single submitter. Criteria: ACMG Guidelines, 2015. Collection method: clinical testing. Allele origin: germline.

Ambry Genetics
Classification: Likely benign for Inborn genetic diseases. Last evaluated: 2024-08-15. Review status: criteria provided, single submitter. Criteria: Ambry Variant Classification Scheme 2023. Collection method: clinical testing. Allele origin: germline.

PreventionGenetics, part of Exact Sciences
Classification: Likely benign for PCNT-related condition. Last evaluated: 2022-01-21. Review status: no assertion criteria provided. Collection method: clinical testing. Allele origin: germline. Not counted in ClinVar's aggregate classification.
Comment: This variant is classified as likely benign based on ACMG/AMP sequence variant interpretation guidelines (Richards et al. 2015 PMID: 25741868, with internal and published modifications).

NM_006031.6(PCNT):c.3313C>T (p.Leu1105=)

Gene: PCNT (pericentrin; plus strand). Cytogenetic location: 21q22.3.
Variant type: single nucleotide variant.
Coding change: c.3313C>T on transcript NM_006031.6 (MANE Select); coding-DNA position 3313, C replaced by T.
Protein change: p.Leu1105=; no amino-acid change (leucine 1105 retained).
Molecular consequence: synonymous variant.
Genome position (GRCh38, 1-based): chr21:46,385,832, C>T. VCF-style: chr21-46385832-C-T. GRCh37 (hg19) VCF-style: chr21-47805747-C-T.
Other names: c.2959C>T, p.Leu987= (NM_001315529.2); c.3313C>T (NM_006031.5).
Identifiers: ClinVar variation 1381840 (VCV001381840.8), dbSNP rs1029955995, ClinGen allele CA322022992.